The following is an entry in ClinVar:

NM_001080421.3(UNC13A):c.4716C>A (p.Asn1572Lys)

Gene: UNC13A (unc-13 homolog A; minus strand). Cytogenetic location: 19p13.11.
Variant type: single nucleotide variant.
Coding change: c.4716C>A on transcript NM_001080421.3 (MANE Select); coding-DNA position 4716, C replaced by A.
Protein change: p.Asn1572Lys; replaces asparagine 1572 with lysine.
Molecular consequence: missense variant.
Genome position (GRCh38, 1-based): chr19:17,610,035, G>T on the plus strand (C>A on the coding strand, the complement: UNC13A is on the minus strand). VCF-style: chr19-17610035-G-T. GRCh37 (hg19) VCF-style: chr19-17720844-G-T.
Other names: c.4635C>A, p.Asn1545Lys (NM_001387023.1); c.4704C>A, p.Asn1568Lys (NM_001387021.1); c.4701C>A, p.Asn1567Lys (NM_001387022.1); short protein forms N1545K, N1567K, N1568K, N1572K.
Identifiers: ClinVar variation 4848044 (VCV004848044.1).

ClinVar aggregate classification (germline): Uncertain significance (1 of 4 stars; one submission).

Submission:

Women's Health and Genetics/Laboratory Corporation of America, LabCorp
Classification: Uncertain significance. Last evaluated: 2026-02-04. Review status: criteria provided, single submitter. Criteria: LabCorp Variant Classification Summary - May 2015. Collection method: clinical testing. Allele origin: germline.
Comment: Variant summary: UNC13A c.4716C>A (p.Asn1572Lys) results in a non-conservative amino acid change in the encoded protein sequence. Algorithms developed to predict the effect of missense changes on protein structure and function are either unavailable or do not agree on the potential impact of this missense change. The variant was absent in 249230 control chromosomes. The available data on variant occurrences in the general population are insufficient to allow any conclusion about variant significance. To our knowledge, no occurrence of c.4716C>A in individuals affected with UNC13A-related conditions and no experimental evidence demonstrating its impact on protein function have been reported. No submitters have cited clinical-significance assessments for this variant to ClinVar. Based on the evidence outlined above, the variant was classified as uncertain significance.